The following is an entry in ClinVar:

NM_033409.4(SLC52A3):c.1048T>A (p.Leu350Met)

Gene: SLC52A3 (solute carrier family 52 member 3; minus strand). Cytogenetic location: 20p13.
Variant type: single nucleotide variant.
Coding change: c.1048T>A on transcript NM_033409.4 (MANE Select); coding-DNA position 1048, T replaced by A.
Protein change: p.Leu350Met; replaces leucine 350 with methionine.
Molecular consequence: missense variant.
Genome position (GRCh38, 1-based): chr20:763,523, A>T on the plus strand (T>A on the coding strand, the complement: SLC52A3 is on the minus strand). VCF-style: chr20-763523-A-T. GRCh37 (hg19) VCF-style: chr20-744167-A-T.
Other names: c.1048T>A, p.Leu350Met (NM_001370085.1, NM_001370086.1); short protein forms L350M.
Identifiers: ClinVar variation 210024 (VCV000210024.26), dbSNP rs76947760, ClinGen allele CA346991.
Genomic context (GRCh38, chr20:763,523, plus strand): 5'-CCACTAGGATTCCCTAGGACCAGATGAGGGCACACCTGTTAGGCAGGAACATGGAGACCA[A>T]CGAGGCAAGAGGGTTGGCCACAATGCTGAGGGTGGCAGCCAGGTGGTAGGCAACTGGCCC-3'
Protein context (NP_212134.3, residues 340-360): LSIVANPLAS[Leu350Met]VSMFLPNRSL

ClinVar aggregate classification (germline): Benign/Likely benign. Review status: criteria provided, multiple submitters, no conflicts (2 of 4 stars). 9 submissions from 9 submitters: Benign (6); Likely benign (2). 1 of the submissions does not count toward it. Last evaluated 2026-01-31.

Conditions:
Brown-Vialetto-van Laere syndrome 1. Also called: BROWN-VIALETTO-VAN LAERE SYNDROME 1, MILD; BULBAR PALSY, PROGRESSIVE, WITH SENSORINEURAL DEAFNESS; PONTOBULBAR PALSY WITH DEAFNESS. Identifiers: Orphanet 572550, Orphanet 97229, MedGen C0796274, MONDO:0024537, OMIM 211530.

Allele frequency attached by ClinVar (database versions not stated): gnomAD 0.01629; ESP Exome Variant Server 0.01699; TOPMed 0.01707; 1000 Genomes Project 30x 0.01811.
gnomAD v4.1: 4,532 of 1,614,064 alleles (0.28%); highest among the groups gnomAD compares: African/African-American, 5.3%; 103 homozygotes.

Submissions (9):

Labcorp Genetics (formerly Invitae), Labcorp
Classification: Benign for Brown-Vialetto-van Laere syndrome 1. Last evaluated: 2026-01-31. Review status: criteria provided, single submitter. Criteria: Invitae Variant Classification Sherloc (09022015). Collection method: clinical testing. Allele origin: germline.

Mayo Clinic Laboratories, Mayo Clinic
Classification: Benign. Last evaluated: 2024-07-20. Review status: criteria provided, single submitter. Criteria: ACMG Guidelines, 2015. Collection method: clinical testing. Allele origin: germline. Observed: 9 variant alleles.

ARUP Laboratories, Molecular Genetics and Genomics, ARUP Laboratories
Classification: Benign. Last evaluated: 2023-11-06. Review status: criteria provided, single submitter. Criteria: ARUP Molecular Germline Variant Investigation Process 2024. Collection method: clinical testing. Allele origin: germline.

Mendelics
Classification: Likely benign for Brown-Vialetto-van Laere syndrome 1. Last evaluated: 2019-05-28. Review status: criteria provided, single submitter. Criteria: Mendelics Assertion Criteria 2017. Collection method: clinical testing. Allele origin: unknown.

GeneDx
Classification: Benign. Last evaluated: 2018-08-03. Review status: criteria provided, single submitter. Criteria: GeneDx Variant Classification Process June 2021. Collection method: clinical testing. Allele origin: germline. Affected: yes.

Laboratory for Molecular Medicine, Mass General Brigham Personalized Medicine
Classification: Benign. Last evaluated: 2017-12-11. Review status: criteria provided, single submitter. Criteria: LMM Criteria. Collection method: clinical testing. Allele origin: germline. Observed: 4 variant alleles.
Comment: p.Leu350Met in exon 3 of SLC52A3: This variant is not expected to have clinical significance because it has been identified in 5.3% (1269/24028) of African chro mosomes, including 40 homozygous individuals, by the Genome Aggregation Database (gnomAD; dbSNP rs76947760). ACMG/AMP criteria applied: BA1, BP2, BP4, BP5.

Center for Pediatric Genomic Medicine, Children's Mercy Hospital and Clinics
Classification: Benign. Last evaluated: 2017-05-03. Review status: criteria provided, single submitter. Criteria: ACMG Guidelines, 2015. Collection method: clinical testing. Allele origin: germline.

Breakthrough Genomics
Classification: Likely benign. Review status: criteria provided, single submitter. Criteria: ACMG Guidelines, 2015. Collection method: not provided. Allele origin: germline. Inheritance: Autosomal recessive inheritance. Affected: yes.

GeneReviews
No classification provided. Condition: Brown-Vialetto-van Laere syndrome 1. Review status: no classification provided. Collection method: literature only. Allele origin: germline. Affected: yes. Not counted in ClinVar's aggregate classification.

Literature cited by the submitters: PubMed 20206331 (cited by Laboratory for Molecular Medicine, Mass General Brigham Personalized Medicine and GeneReviews); PubMed 22273710 (cited by Laboratory for Molecular Medicine, Mass General Brigham Personalized Medicine); PubMed 26072523 (cited by Laboratory for Molecular Medicine, Mass General Brigham Personalized Medicine); NCBI Bookshelf NBK299312 (cited by GeneReviews).